The following is an entry in ClinVar:

NM_015662.3(IFT172):c.2841G>A (p.Met947Ile)

Gene: IFT172 (intraflagellar transport 172; minus strand). Cytogenetic location: 2p23.3.
Variant type: single nucleotide variant.
Coding change: c.2841G>A on transcript NM_015662.3 (MANE Select); coding-DNA position 2841, G replaced by A.
Protein change: p.Met947Ile; replaces methionine 947 with isoleucine.
Molecular consequence: missense variant.
Genome position (GRCh38, 1-based): chr2:27,458,815, C>T on the plus strand (G>A on the coding strand, the complement: IFT172 is on the minus strand). VCF-style: chr2-27458815-C-T. GRCh37 (hg19) VCF-style: chr2-27681682-C-T.
Other names: c.2775G>A, p.Met925Ile (NM_001410739.1); short protein forms M925I, M947I.
Identifiers: ClinVar variation 3346189 (VCV003346189.1).

ClinVar aggregate classification (germline): Uncertain significance (0 of 4 stars; one submission).

Conditions:
IFT172-related disorder. Also called: IFT172-related disorders; IFT172-related condition.

Submission:

PreventionGenetics, part of Exact Sciences
Classification: Uncertain significance for IFT172-related condition. Last evaluated: 2024-05-14. Review status: no assertion criteria provided. Collection method: clinical testing. Allele origin: germline.
Comment: The IFT172 c.2841G>A variant is predicted to result in the amino acid substitution p.Met947Ile. To our knowledge, this variant has not been reported in the literature or in a large population database, indicating this variant is rare. At this time, the clinical significance of this variant is uncertain due to the absence of conclusive functional and genetic evidence.